The following is an entry in ClinVar:

NM_001349206.2(LPIN1):c.2031G>C (p.Lys677Asn)

Gene: LPIN1 (lipin 1; plus strand). Cytogenetic location: 2p25.1.
Variant type: single nucleotide variant.
Coding change: c.2031G>C on transcript NM_001349206.2 (MANE Select); coding-DNA position 2031, G replaced by C.
Protein change: p.Lys677Asn; replaces lysine 677 with asparagine.
Molecular consequence: missense variant. On other transcripts: non-coding transcript variant (1).
Genome position (GRCh38, 1-based): chr2:11,804,440, G>C. VCF-style: chr2-11804440-G-C. GRCh37 (hg19) VCF-style: chr2-11944566-G-C.
Other names: c.1941G>C, p.Lys647Asn (NM_001261427.3); c.2178G>C, p.Lys726Asn (NM_001261428.3); c.1923G>C, p.Lys641Asn (NM_001349199.2, NM_145693.4); c.2001G>C, p.Lys667Asn (NM_001349200.2, NM_001349201.2); c.2028G>C, p.Lys676Asn (NM_001349202.2, NM_001349203.2); c.2031G>C, p.Lys677Asn (NM_001349204.2, NM_001349205.2); c.2121G>C, p.Lys707Asn (NM_001349207.2); c.2070G>C, p.Lys690Asn (NM_001349208.2); short protein forms K641N, K647N, K667N, K677N, K726N, K707N, K676N, K690N.
Identifiers: ClinVar variation 2021782 (VCV002021782.1), dbSNP rs2546211457, ClinGen allele CA345854997.

ClinVar aggregate classification (germline): Uncertain significance (1 of 4 stars; one submission).

Submission:

Labcorp Genetics (formerly Invitae), Labcorp
Classification: Uncertain significance. Last evaluated: 2021-12-01. Review status: criteria provided, single submitter. Criteria: Invitae Variant Classification Sherloc (09022015). Collection method: clinical testing. Allele origin: germline.
Comment: This sequence change replaces lysine, which is basic and polar, with asparagine, which is neutral and polar, at codon 641 of the LPIN1 protein (p.Lys641Asn). This variant is not present in population databases (gnomAD no frequency). This variant has not been reported in the literature in individuals affected with LPIN1-related conditions. Algorithms developed to predict the effect of missense changes on protein structure and function (SIFT, PolyPhen-2, Align-GVGD) all suggest that this variant is likely to be tolerated. In summary, the available evidence is currently insufficient to determine the role of this variant in disease. Therefore, it has been classified as a Variant of Uncertain Significance.